The following is an entry in ClinVar:

NM_004380.3(CREBBP):c.4890+1G>A

Gene: CREBBP (CREB binding lysine acetyltransferase; minus strand). Cytogenetic location: 16p13.3.
Variant type: single nucleotide variant.
Coding change: c.4890+1G>A on transcript NM_004380.3 (MANE Select); the canonical splice donor site of the intron after coding-DNA position 4890, G replaced by A.
Molecular consequence: splice donor variant.
Genome position (GRCh38, 1-based): chr16:3,731,775, C>T on the plus strand (G>A on the coding strand, the complement: CREBBP is on the minus strand). VCF-style: chr16-3731775-C-T. GRCh37 (hg19) VCF-style: chr16-3781776-C-T.
Other names: c.4776+1G>A (NM_001079846.1).
Identifiers: ClinVar variation 694828 (VCV000694828.2), dbSNP rs1596793242, ClinGen allele CA394559496.
Genomic context (GRCh38, chr16:3,731,775, plus strand): 5'-CTGCGAGTCTTTCCCTCCTCCCGGCCAGAGGCACGGCTGCAGCACCGCAGCCCACGCCTA[C>T]CTCCTTGTGCTTCTCCATGGTGGCATACAGCTTCTGGGACAGGTCATTGGACACGTTGGG-3'

ClinVar aggregate classification (germline): Pathogenic. Review status: no assertion criteria provided (0 of 4 stars). 2 submissions from 2 submitters: Pathogenic (2). Last evaluated 2024-04-22.

Conditions:
CREBBP-related disorder. Also called: CREBBP-related disorders; CREBBP-related condition.
Rubinstein-Taybi syndrome due to CREBBP mutations (RSTS1). Also called: RUBINSTEIN SYNDROME; BROAD THUMBS AND GREAT TOES, CHARACTERISTIC FACIES, AND IMPAIRED INTELLECTUAL DEVELOPMENT; CREBBP-Related Rubinstein-Taybi Syndrome; BROAD THUMB-HALLUX SYNDROME; RUBINSTEIN-TAYBI SYNDROME 1, INCOMPLETE; Rubinstein-Taybi syndrome 1. Identifiers: Orphanet 353277, Orphanet 783, MedGen C4551859, MONDO:0008393, OMIM 180849.

Submissions (2):

PreventionGenetics, part of Exact Sciences
Classification: Pathogenic for CREBBP-related condition. Last evaluated: 2024-04-22. Review status: no assertion criteria provided. Collection method: clinical testing. Allele origin: germline.
Comment: The CREBBP c.4890+1G>A variant is predicted to disrupt the GT donor site and interfere with normal splicing. This variant has been reported in an individual with Rubinstein-Taybi syndrome (Cross et al. 2020. PubMed ID: 32827181). This variant has not been reported in a large population database, indicating this variant is rare. Variants that disrupt the consensus splice donor site in CREBBP are expected to be pathogenic. This variant is interpreted as pathogenic.

Wessex Regional Genetics Laboratory, Salisbury District Hospital
Classification: Pathogenic for Rubinstein-Taybi syndrome due to CREBBP mutations. Last evaluated: 2019-11-05. Review status: no assertion criteria provided. Criteria: ACMG Guidelines, 2015. Collection method: clinical testing. Allele origin: unknown. Inheritance: Autosomal dominant inheritance. Affected: yes.